The following is an entry in ClinVar:

NM_022124.6(CDH23):c.1543A>G (p.Ile515Val)

Gene: CDH23 (cadherin related 23; plus strand). Cytogenetic location: 10q22.1.
Variant type: single nucleotide variant.
Coding change: c.1543A>G on transcript NM_022124.6 (MANE Select); coding-DNA position 1543, A replaced by G.
Protein change: p.Ile515Val; replaces isoleucine 515 with valine.
Molecular consequence: missense variant.
Genome position (GRCh38, 1-based): chr10:71,677,484, A>G. VCF-style: chr10-71677484-A-G. GRCh37 (hg19) VCF-style: chr10-73437241-A-G.
Other names: c.1543A>G, p.Ile515Val (NM_001171930.2, NM_001171931.2); short protein forms I515V.
Identifiers: ClinVar variation 179509 (VCV000179509.9), dbSNP rs727504914, ClinGen allele CA184563.

ClinVar aggregate classification (germline): Conflicting classifications of pathogenicity. Review status: criteria provided, conflicting classifications (1 of 4 stars). 4 submissions from 4 submitters: Uncertain significance (3); Likely benign (1). Last evaluated 2025-08-25.

Conditions:
Inborn genetic diseases. Identifiers: MedGen C0950123, MeSH D030342.

Allele frequency attached by ClinVar (database versions not stated): gnomAD exomes below 0.00001; gnomAD 0.00002 and 0.00003; TOPMed 0.00002.
gnomAD v4.1: 9 of 1,611,158 alleles (0.00056%); highest among the groups gnomAD compares: Admixed American, 0.005%; no homozygotes.

Submissions (4):

Ambry Genetics
Classification: Uncertain significance for Inborn genetic diseases. Last evaluated: 2025-08-25. Review status: criteria provided, single submitter. Criteria: Ambry Variant Classification Scheme 2023. Collection method: clinical testing. Allele origin: germline.

Labcorp Genetics (formerly Invitae), Labcorp
Classification: Uncertain significance. Last evaluated: 2022-05-15. Review status: criteria provided, single submitter. Criteria: Invitae Variant Classification Sherloc (09022015). Collection method: clinical testing. Allele origin: germline.
Comment: This sequence change replaces isoleucine, which is neutral and non-polar, with valine, which is neutral and non-polar, at codon 515 of the CDH23 protein (p.Ile515Val). This variant is present in population databases (rs727504914, gnomAD 0.009%). This variant has not been reported in the literature in individuals affected with CDH23-related conditions. ClinVar contains an entry for this variant (Variation ID: 179509). Algorithms developed to predict the effect of missense changes on protein structure and function output the following: SIFT: "Tolerated"; PolyPhen-2: "Not Available"; Align-GVGD: "Class C0". The valine amino acid residue is found in multiple mammalian species, which suggests that this missense change does not adversely affect protein function. In summary, the available evidence is currently insufficient to determine the role of this variant in disease. Therefore, it has been classified as a Variant of Uncertain Significance.

Athena Diagnostics
Classification: Uncertain significance. Last evaluated: 2019-10-25. Review status: criteria provided, single submitter. Criteria: Athena Diagnostics Criteria. Collection method: clinical testing. Allele origin: unknown.

Laboratory for Molecular Medicine, Mass General Brigham Personalized Medicine
Classification: Likely benign. Last evaluated: 2014-02-01. Review status: criteria provided, single submitter. Criteria: LMM Criteria. Collection method: clinical testing. Allele origin: germline. Observed: 1 variant allele.
Comment: Ile515Val in Exon 16 of CDH23: This variant is not expected to have clinical sig nificance because the isoleucine (Ile) residue at position 515 is not conserved through species, with squirrel, white rhinoceros, star nosed mole, and armadillo having a valine (Val) at this position. In addition, computational analyses (bi ochemical amino acid properties, AlignGVGD, PolyPhen2, SIFT) do not suggest an i mpact to the protein.